The following is an entry in ClinVar:

NM_199420.4(POLQ):c.5028T>A (p.Asn1676Lys)

Gene: POLQ (DNA polymerase theta; minus strand). Cytogenetic location: 3q13.33.
Variant type: single nucleotide variant.
Coding change: c.5028T>A on transcript NM_199420.4 (MANE Select); coding-DNA position 5028, T replaced by A.
Protein change: p.Asn1676Lys; replaces asparagine 1676 with lysine.
Molecular consequence: missense variant.
Genome position (GRCh38, 1-based): chr3:121,487,903, A>T on the plus strand (T>A on the coding strand, the complement: POLQ is on the minus strand). VCF-style: chr3-121487903-A-T. GRCh37 (hg19) VCF-style: chr3-121206750-A-T.
Other names: short protein forms N1676K.
Identifiers: ClinVar variation 2563771 (VCV002563771.2), dbSNP rs1488843240, ClinGen allele CA354092323.
Genomic context (GRCh38, chr3:121,487,903, plus strand): 5'-AGAAAATGAAATTCCCTGCACTTGTTTTGTCTCCAAGTTTGAAATAACTTCTTGTTCTTC[A>T]TTTAACTCTGTATTTTTTCTATTCAAACTGGAAAAGTTTATAGTCATTGATTTTAGCTTT-3'
Protein context (NP_955452.3, residues 1666-1686): SSLNRKNTEL[Asn1676Lys]EEQEVISNLE

ClinVar aggregate classification (germline): Uncertain significance (1 of 4 stars; one submission).

Allele frequency attached by ClinVar (database versions not stated): TOPMed below 0.00001; gnomAD 0.00001.

Submission:

Ambry Genetics
Classification: Uncertain significance. Last evaluated: 2023-03-22. Review status: criteria provided, single submitter. Criteria: Ambry Variant Classification Scheme 2023. Collection method: clinical testing. Allele origin: germline.
Comment: The p.N1676K variant (also known as c.5028T>A), located in coding exon 16 of the POLQ gene, results from a T to A substitution at nucleotide position 5028. The asparagine at codon 1676 is replaced by lysine, an amino acid with similar properties. This amino acid position is conserved. In addition, this alteration is predicted to be tolerated by in silico analysis. Since supporting evidence is limited at this time, the clinical significance of this alteration remains unclear.